The following is an entry in ClinVar:

NM_001164508.2(NEB):c.19078C>T (p.Gln6360Ter)

Gene: NEB (nebulin; minus strand). Cytogenetic location: 2q23.3.
Variant type: single nucleotide variant.
Coding change: c.19078C>T on transcript NM_001164508.2 (MANE Select); coding-DNA position 19078, C replaced by T.
Protein change: p.Gln6360Ter; replaces glutamine 6360 with a stop codon.
Molecular consequence: nonsense.
Genome position (GRCh38, 1-based): chr2:151,561,231, G>A on the plus strand (C>T on the coding strand, the complement: NEB is on the minus strand). VCF-style: chr2-151561231-G-A. GRCh37 (hg19) VCF-style: chr2-152417745-G-A.
Other names: c.19078C>T, p.Gln6360Ter (NM_001164507.2, NM_001271208.2); c.13975C>T, p.Gln4659Ter (NM_004543.5); short protein forms Q4659*, Q6360*.
Identifiers: ClinVar variation 1323347 (VCV001323347.11), dbSNP rs2153703181, ClinGen allele CA348795339.

ClinVar aggregate classification (germline): Pathogenic/Likely pathogenic. Review status: criteria provided, multiple submitters, no conflicts (2 of 4 stars). 4 submissions from 4 submitters: Pathogenic (2); Likely pathogenic (2). Last evaluated 2024-02-23.

Conditions:
Nemaline myopathy 2 (NEM2). Also called: Nemaline myopathy 2, autosomal recessive. Identifiers: MedGen C1850569, MONDO:0009725, OMIM 256030.
Arthrogryposis multiplex congenita 6. Identifiers: MedGen C5543431, MONDO:0030281, OMIM 619334.

gnomAD v4.1: 1 of 1,608,356 alleles (0.000062%); no homozygotes.

Submissions (4):

Natera, Inc.
Classification: Likely pathogenic for Nemaline myopathy type 2. Last evaluated: 2024-02-23. Review status: criteria provided, single submitter. Criteria: Natera Variant Classification Schema (03/2026). Collection method: clinical testing. Allele origin: germline.
Comment: The c.19078C>T variant in NEB is a nonsense variant predicted to introduce a stop codon at amino acid 6360. This variant is expected to result in nonsense mediated decay, truncation, or a dysfunctional protein product. This variant is rare in the general population with a frequency below the threshold expected for the associated phenotype(s). Given the available evidence, this variant is classified as Likely Pathogenic.

Labcorp Genetics (formerly Invitae), Labcorp
Classification: Pathogenic for Nemaline myopathy 2. Last evaluated: 2023-11-15. Review status: criteria provided, single submitter. Criteria: Invitae Variant Classification Sherloc (09022015). Collection method: clinical testing. Allele origin: germline.
Comment: This sequence change creates a premature translational stop signal (p.Gln6360*) in the NEB gene. It is expected to result in an absent or disrupted protein product. Loss-of-function variants in NEB are known to be pathogenic (PMID: 25205138). This variant is not present in population databases (gnomAD no frequency). This variant has not been reported in the literature in individuals affected with NEB-related conditions. ClinVar contains an entry for this variant (Variation ID: 1323347). Algorithms developed to predict the effect of sequence changes on RNA splicing suggest that this variant may disrupt the consensus splice site. For these reasons, this variant has been classified as Pathogenic.

Revvity Omics, Revvity
Classification: Pathogenic. Last evaluated: 2019-06-25. Review status: criteria provided, single submitter. Criteria: ACMG Guidelines, 2015. Collection method: clinical testing. Allele origin: germline.

Juno Genomics, Hangzhou Juno Genomics, Inc
Classification: Likely pathogenic for Nemaline myopathy 2; Arthrogryposis multiplex congenita 6. Review status: criteria provided, single submitter. Criteria: ACMG Guidelines, 2015. Collection method: clinical testing. Allele origin: germline.
Comment: Absent from controls (or at extremely low frequency if recessive) in Genome Aggregation Database.;Null variant in a gene where loss of function (LOF) is a known mechanism of disease.

Literature cited by the submitters: PubMed 25205138 (cited by Labcorp Genetics (formerly Invitae), Labcorp).